The following is an entry in ClinVar:

ClinVar aggregate classification (germline): Uncertain significance (1 of 4 stars; one submission).

gnomAD v4.1: 1 of 1,614,002 alleles (0.000062%); no homozygotes.

Submission:

Labcorp Genetics (formerly Invitae), Labcorp
Classification: Uncertain significance. Last evaluated: 2024-12-28. Review status: criteria provided, single submitter. Criteria: Invitae Variant Classification Sherloc (09022015). Collection method: clinical testing. Allele origin: germline.
Comment: This sequence change replaces lysine, which is basic and polar, with arginine, which is basic and polar, at codon 2754 of the VCAN protein (p.Lys2754Arg). This variant is not present in population databases (gnomAD no frequency). This variant has not been reported in the literature in individuals affected with VCAN-related conditions. ClinVar contains an entry for this variant (Variation ID: 1493791). An algorithm developed to predict the effect of missense changes on protein structure and function (PolyPhen-2) suggests that this variant is likely to be disruptive. In summary, the available evidence is currently insufficient to determine the role of this variant in disease. Therefore, it has been classified as a Variant of Uncertain Significance.

NM_004385.5(VCAN):c.8261A>G (p.Lys2754Arg)

Genes: VCAN (versican; plus strand), VCAN-AS1 (VCAN antisense RNA 1; minus strand). Cytogenetic location: 5q14.3.
Variant type: single nucleotide variant.
Coding change: c.8261A>G on transcript NM_004385.5 (MANE Select); coding-DNA position 8261, A replaced by G.
Protein change: p.Lys2754Arg; replaces lysine 2754 with arginine.
Molecular consequence: missense variant. On other transcripts: intron variant (2).
Genome position (GRCh38, 1-based): chr5:83,541,264, A>G. VCF-style: chr5-83541264-A-G. GRCh37 (hg19) VCF-style: chr5-82837083-A-G.
Other names: c.5300A>G, p.Lys1767Arg (NM_001164097.2); c.4004-4273A>G (NM_001164098.2); c.1043-4273A>G (NM_001126336.3); short protein forms K1767R, K2754R.
Identifiers: ClinVar variation 1493791 (VCV001493791.8), dbSNP rs2112449417, ClinGen allele CA360316538.